The following is an entry in ClinVar:

NM_001754.5(RUNX1):c.332C>G (p.Thr111Ser)

Gene: RUNX1 (RUNX family transcription factor 1; minus strand). Cytogenetic location: 21q22.12.
Variant type: single nucleotide variant.
Coding change: c.332C>G on transcript NM_001754.5 (MANE Select); coding-DNA position 332, C replaced by G.
Protein change: p.Thr111Ser; replaces threonine 111 with serine.
Molecular consequence: missense variant.
Genome position (GRCh38, 1-based): chr21:34,886,862, G>C on the plus strand (C>G on the coding strand, the complement: RUNX1 is on the minus strand). VCF-style: chr21-34886862-G-C. GRCh37 (hg19) VCF-style: chr21-36259159-G-C.
Other names: NM_001754.5(RUNX1):c.332C>G; p.Thr111Ser; c.251C>G, p.Thr84Ser (NM_001001890.3, NM_001122607.2); short protein forms T111S, T84S.
Identifiers: ClinVar variation 2834717 (VCV002834717.4), dbSNP rs759974526, ClinGen allele CA410203410.

ClinVar aggregate classification (germline): Uncertain significance. Review status: reviewed by expert panel (3 of 4 stars). 2 submissions from 2 submitters: Uncertain significance (1). 1 of the submissions does not count toward it. Last evaluated 2024-10-29.

Conditions:
Hereditary thrombocytopenia and hematological cancer predisposition syndrome associated with RUNX1. Also called: Familial Platelet Disorder with Propensity to Acute Myelogenous Leukemia; Familial thrombocytopenia with propensity to acute myelogenous leukemia; PLATELET DISORDER, ASPIRIN-LIKE; RUNX1 Familial Platelet Disorder with Associated Myeloid Malignancies. Identifiers: Orphanet 71290, MedGen C1832388, MeSH C563324, MONDO:0100083, OMIM 601399.
Hereditary thrombocytopenia and hematologic cancer predisposition syndrome. Identifiers: Orphanet 71290, MedGen CN281654, MONDO:0011071.

Submissions (2):

ClinGen Myeloid Malignancy Variant Curation Expert Panel
Classification: Uncertain significance for Hereditary thrombocytopenia and hematologic cancer predisposition syndrome. Last evaluated: 2024-10-29. Review status: reviewed by expert panel. Criteria: ClinGen MyeloMalig ACMG Specifications v2. Collection method: curation. Allele origin: germline. Inheritance: Autosomal dominant inheritance.
Comment: NM_001754.5(RUNX1):c.332C>G (p.Thr111Ser) is a missense variant which is found within the runt homology domain but does not occur in an established hotspot residue (PM1_supporting). This variant is completely absent from all population databases with at least 20x coverage for RUNX1 (PM2_Supporting). In summary, the clinical significance of this variant is uncertain. ACMG/AMP criteria applied, as specified by the Myeloid Malignancy Variant Curation Expert Panel for RUNX1: PM1_supporting, PM2_supporting.

Labcorp Genetics (formerly Invitae), Labcorp
Classification: Uncertain significance for Hereditary thrombocytopenia and hematological cancer predisposition syndrome associated with RUNX1. Last evaluated: 2023-02-05. Review status: criteria provided, single submitter. Criteria: Invitae Variant Classification Sherloc (09022015). Collection method: clinical testing. Allele origin: germline. Not counted in ClinVar's aggregate classification.
Comment: In summary, the available evidence is currently insufficient to determine the role of this variant in disease. Therefore, it has been classified as a Variant of Uncertain Significance. Advanced modeling of protein sequence and biophysical properties (such as structural, functional, and spatial information, amino acid conservation, physicochemical variation, residue mobility, and thermodynamic stability) performed at Invitae indicates that this missense variant is not expected to disrupt RUNX1 protein function. This variant has not been reported in the literature in individuals affected with RUNX1-related conditions. This variant is not present in population databases (gnomAD no frequency). This sequence change replaces threonine, which is neutral and polar, with serine, which is neutral and polar, at codon 111 of the RUNX1 protein (p.Thr111Ser).